The following is an entry in ClinVar:

NM_000492.4(CFTR):c.3722G>C (p.Gly1241Ala)

Genes: CFTR (CF transmembrane conductance regulator; plus strand), CFTR-AS2 (CFTR antisense RNA 2; minus strand). Cytogenetic location: 7q31.2.
Variant type: single nucleotide variant.
Coding change: c.3722G>C on transcript NM_000492.4 (MANE Select); coding-DNA position 3722, G replaced by C.
Protein change: p.Gly1241Ala; replaces glycine 1241 with alanine.
Molecular consequence: missense variant.
Genome position (GRCh38, 1-based): chr7:117,642,442, G>C. VCF-style: chr7-117642442-G-C. GRCh37 (hg19) VCF-style: chr7-117282496-G-C.
Other names: short protein forms G1241A.
Identifiers: ClinVar variation 3231897 (VCV003231897.1), dbSNP rs1191342069, ClinGen allele CA368974418.

ClinVar aggregate classification (germline): Uncertain significance (1 of 4 stars; one submission).

Conditions:
Cystic fibrosis (CF). Also called: MUCOVISCIDOSIS. Identifiers: Orphanet 586, MedGen C0010674, MONDO:0009061, OMIM 219700. Disease mechanism: loss of function.

Submission:

Ambry Genetics
Classification: Uncertain significance for Cystic fibrosis. Last evaluated: 2023-09-27. Review status: criteria provided, single submitter. Criteria: Ambry Variant Classification Scheme 2023. Collection method: clinical testing. Allele origin: germline.
Comment: The p.G1241A variant (also known as c.3722G>C), located in coding exon 23 of the CFTR gene, results from a G to C substitution at nucleotide position 3722. The glycine at codon 1241 is replaced by alanine, an amino acid with similar properties. This amino acid position is conserved. In addition, this alteration is predicted to be deleterious by in silico analysis. Since supporting evidence is limited at this time, the clinical significance of this alteration remains unclear.